The following is an entry in ClinVar:

NM_015231.3(NUP160):c.1700G>A (p.Arg567Gln)

Gene: NUP160 (nucleoporin 160; minus strand). Cytogenetic location: 11p11.2.
Variant type: single nucleotide variant.
Coding change: c.1700G>A on transcript NM_015231.3 (MANE Select); coding-DNA position 1700, G replaced by A.
Protein change: p.Arg567Gln; replaces arginine 567 with glutamine.
Molecular consequence: missense variant. On other transcripts: non-coding transcript variant (1).
Genome position (GRCh38, 1-based): chr11:47,813,032, C>T on the plus strand (G>A on the coding strand, the complement: NUP160 is on the minus strand). VCF-style: chr11-47813032-C-T. GRCh37 (hg19) VCF-style: chr11-47834584-C-T.
Other names: short protein forms R567Q.
Identifiers: ClinVar variation 3767309 (VCV003767309.1).

ClinVar aggregate classification (germline): Uncertain significance (1 of 4 stars; one submission).

Conditions:
Osteopetrosis. Identifiers: Orphanet 2781, MedGen C0029454, MONDO:0017198, HP:0011002.

gnomAD v4.1: 12 of 1,607,218 alleles (0.00075%); highest among the groups gnomAD compares: African/African-American, 0.004%; no homozygotes.

Submission:

Clinical Genetics Laboratory, Skane University Hospital Lund
Classification: Uncertain significance for Osteopetrosis. Last evaluated: 2025-03-12. Review status: criteria provided, single submitter. Criteria: ACMG Guidelines, 2015. Collection method: clinical testing. Allele origin: germline. Affected: yes.
Comment: ACMG criteria used: PM2, BP4